The following is an entry in ClinVar:

ClinVar aggregate classification (germline): Uncertain significance (1 of 4 stars; one submission).

Conditions:
Early-infantile DEE. Also called: Early infantile epileptic encephalopathy with suppression bursts; Early infantile epileptic encephalopathy; Ohtahara syndrome. Identifiers: Orphanet 1934, MedGen C0393706, MONDO:0800491.

Submission:

Labcorp Genetics (formerly Invitae), Labcorp
Classification: Uncertain significance for Early-infantile DEE. Last evaluated: 2025-02-03. Review status: criteria provided, single submitter. Criteria: Invitae Variant Classification Sherloc (09022015). Collection method: clinical testing. Allele origin: germline.
Comment: This sequence change replaces valine, which is neutral and non-polar, with alanine, which is neutral and non-polar, at codon 648 of the SCN8A protein (p.Val648Ala). This variant is not present in population databases (gnomAD no frequency). This variant has not been reported in the literature in individuals affected with SCN8A-related conditions. Invitae Evidence Modeling of protein sequence and biophysical properties (such as structural, functional, and spatial information, amino acid conservation, physicochemical variation, residue mobility, and thermodynamic stability) has been performed for this missense variant. However, the output from this modeling did not meet the statistical confidence thresholds required to predict the impact of this variant on SCN8A protein function. In summary, the available evidence is currently insufficient to determine the role of this variant in disease. Therefore, it has been classified as a Variant of Uncertain Significance.

NM_001330260.2(SCN8A):c.1943T>C (p.Val648Ala)

Gene: SCN8A (sodium voltage-gated channel alpha subunit 8; plus strand). Cytogenetic location: 12q13.13.
Variant type: single nucleotide variant.
Coding change: c.1943T>C on transcript NM_001330260.2 (MANE Select); coding-DNA position 1943, T replaced by C.
Protein change: p.Val648Ala; replaces valine 648 with alanine.
Molecular consequence: missense variant.
Genome position (GRCh38, 1-based): chr12:51,721,853, T>C. VCF-style: chr12-51721853-T-C. GRCh37 (hg19) VCF-style: chr12-52115637-T-C.
Other names: c.1943T>C, p.Val648Ala (NM_001177984.3, NM_001369788.1, NM_014191.4); short protein forms V648A.
Identifiers: ClinVar variation 4801276 (VCV004801276.1).
Genomic context (GRCh38, chr12:51,721,853, plus strand): 5'-GCATCTTCCCCAGCCTGCGGCGCAGCGTGAAGCGCAACAGCACGGTGGACTGCAACGGCG[T>C]GGTGTCCCTCATCGGCGGCCCCGGCTCCCACATCGGCGGGCGTCTCCTGCCAGAGGTGAA-3'
Protein context (NP_001317189.1, residues 638-658): KRNSTVDCNG[Val648Ala]VSLIGGPGSH